The following is an entry in ClinVar:

ClinVar aggregate classification (germline): Conflicting classifications of pathogenicity. Review status: criteria provided, conflicting classifications (1 of 4 stars). 3 submissions from 3 submitters: Likely pathogenic (2); Uncertain significance (1). Last evaluated 2021-12-19.

Conditions:
Nemaline myopathy 5 (NEM5A). Also called: NEMALINE MYOPATHY 5A, AUTOSOMAL RECESSIVE, SEVERE INFANTILE; Nemaline myopathy 5, Amish type; NEMALINE MYOPATHY, AMISH TYPE. Identifiers: Orphanet 98902, MedGen C1854380, MONDO:0011539, OMIM 605355.

Allele frequency attached by ClinVar (database versions not stated): gnomAD exomes 0.00001.

Submissions (3):

Revvity Omics, Revvity
Classification: Likely pathogenic. Last evaluated: 2021-12-19. Review status: criteria provided, single submitter. Criteria: ACMG Guidelines, 2015. Collection method: clinical testing. Allele origin: germline.

Kariminejad - Najmabadi Pathology & Genetics Center
Classification: Likely pathogenic for Nemaline myopathy 5. Last evaluated: 2021-12-10. Review status: criteria provided, single submitter. Criteria: ACMG Guidelines, 2015. Collection method: clinical testing. Allele origin: germline. Inheritance: Autosomal recessive inheritance. Affected: yes.
Comment: PVS1, PM2

Neuberg Centre For Genomic Medicine, NCGM
Classification: Uncertain significance for Nemaline myopathy 5. Review status: criteria provided, single submitter. Criteria: ACMG Guidelines, 2015. Collection method: clinical testing. Allele origin: germline. Inheritance: Autosomal recessive inheritance. Affected: yes.
Comment: The invariant splice donor c.32+1G>A variant in TNNT1 gene has not been reported previously as a pathogenic variant nor as a benign variant, to our knowledge. The c.32+1G>A variant is novel not in any individuals in 1000 Genomes and has allele frequency of 0.002% in gnomAD database. This variant has been reported to the ClinVar database as Likely Pathogenic but no details availble for its independent assessment. Loss of function variants have been previously reported to be disease causing. However, the observed variant is not correlating clinically with the literature and functional studies will be required to confirm the pathogenicity of the variant. Hence it is classified as Variant of Uncertain Significance VUS.

NM_003283.6(TNNT1):c.32+1G>A

Gene: TNNT1 (troponin T1, slow skeletal type; minus strand). Cytogenetic location: 19q13.42.
Variant type: single nucleotide variant.
Coding change: c.32+1G>A on transcript NM_003283.6 (MANE Select); the canonical splice donor site of the intron after coding-DNA position 32, G replaced by A.
Molecular consequence: splice donor variant.
Genome position (GRCh38, 1-based): chr19:55,147,125, C>T on the plus strand (G>A on the coding strand, the complement: TNNT1 is on the minus strand). VCF-style: chr19-55147125-C-T. GRCh37 (hg19) VCF-style: chr19-55658493-C-T.
Other names: c.32+1G>A (NM_001126133.3, NM_001126132.3, NM_001291774.2).
Identifiers: ClinVar variation 2434186 (VCV002434186.5), dbSNP rs1461051435, ClinGen allele CA407438644.